The following is an entry in ClinVar:

NM_022124.6(CDH23):c.3899A>G (p.Tyr1300Cys)

Genes: C10orf105 (chromosome 10 open reading frame 105; minus strand), CDH23 (cadherin related 23; plus strand). Cytogenetic location: 10q22.1.
Variant type: single nucleotide variant.
Coding change: c.3899A>G on transcript NM_022124.6 (MANE Select); coding-DNA position 3899, A replaced by G.
Protein change: p.Tyr1300Cys; replaces tyrosine 1300 with cysteine.
Molecular consequence: missense variant. On other transcripts: intron variant (1).
Genome position (GRCh38, 1-based): chr10:71,732,170, A>G. VCF-style: chr10-71732170-A-G. GRCh37 (hg19) VCF-style: chr10-73491927-A-G.
Other names: c.3899A>G, p.Tyr1300Cys (NM_001171930.2); c.-6+5558T>C (NM_001168390.2); short protein forms Y1300C.
Identifiers: ClinVar variation 842824 (VCV000842824.5), dbSNP rs1370458698, ClinGen allele CA377156496.

ClinVar aggregate classification (germline): Uncertain significance (1 of 4 stars; one submission).

Allele frequency attached by ClinVar (database versions not stated): TOPMed below 0.00001.

Submission:

Labcorp Genetics (formerly Invitae), Labcorp
Classification: Uncertain significance. Last evaluated: 2022-03-15. Review status: criteria provided, single submitter. Criteria: Invitae Variant Classification Sherloc (09022015). Collection method: clinical testing. Allele origin: germline.
Comment: This sequence change replaces tyrosine, which is neutral and polar, with cysteine, which is neutral and slightly polar, at codon 1300 of the CDH23 protein (p.Tyr1300Cys). This variant is not present in population databases (gnomAD no frequency). This variant has not been reported in the literature in individuals affected with CDH23-related conditions. ClinVar contains an entry for this variant (Variation ID: 842824). Algorithms developed to predict the effect of missense changes on protein structure and function are either unavailable or do not agree on the potential impact of this missense change (SIFT: "Deleterious"; PolyPhen-2: "Not Available"; Align-GVGD: "Class C65"). In summary, the available evidence is currently insufficient to determine the role of this variant in disease. Therefore, it has been classified as a Variant of Uncertain Significance.